The following is an entry in ClinVar:

NM_005618.4(DLL1):c.1367G>A (p.Gly456Asp)

Gene: DLL1 (delta like canonical Notch ligand 1; minus strand). Cytogenetic location: 6q27.
Variant type: single nucleotide variant.
Coding change: c.1367G>A on transcript NM_005618.4 (MANE Select); coding-DNA position 1367, G replaced by A.
Protein change: p.Gly456Asp; replaces glycine 456 with aspartic acid.
Molecular consequence: missense variant.
Genome position (GRCh38, 1-based): chr6:170,283,912, C>T on the plus strand (G>A on the coding strand, the complement: DLL1 is on the minus strand). VCF-style: chr6-170283912-C-T. GRCh37 (hg19) VCF-style: chr6-170593000-C-T.
Other names: short protein forms G456D.
Identifiers: ClinVar variation 2544299 (VCV002544299.3), dbSNP rs1244396099, ClinGen allele CA366507420.

ClinVar aggregate classification (germline): Uncertain significance (1 of 4 stars; one submission).

Conditions:
Inborn genetic diseases. Identifiers: MedGen C0950123, MeSH D030342.

Allele frequency attached by ClinVar (database versions not stated): gnomAD exomes below 0.00001; gnomAD 0.00001; TOPMed 0.00001.
gnomAD v4.1: 2 of 1,601,936 alleles (0.00012%); highest among the groups gnomAD compares: Non-Finnish European, 0.000085%; no homozygotes.

Submission:

Ambry Genetics
Classification: Uncertain significance for Inborn genetic diseases. Last evaluated: 2023-06-20. Review status: criteria provided, single submitter. Criteria: Ambry Variant Classification Scheme 2023. Collection method: clinical testing. Allele origin: germline.
Comment: The c.1367G>A (p.G456D) alteration is located in exon 9 (coding exon 9) of the DLL1 gene. This alteration results from a G to A substitution at nucleotide position 1367, causing the glycine (G) at amino acid position 456 to be replaced by an aspartic acid (D). This allele was reported in one heterozygous individual in population-based cohorts in the Genome Aggregation Database (gnomAD). This amino acid position is well conserved in available vertebrate species. The in silico prediction for this alteration is inconclusive. Based on insufficient or conflicting evidence, the clinical significance of this alteration remains unclear.